The following is an entry in ClinVar:

ClinVar aggregate classification (germline): Uncertain significance. Review status: criteria provided, multiple submitters, no conflicts (2 of 4 stars). 2 submissions from 2 submitters: Uncertain significance (2). Last evaluated 2025-05-16.

Conditions:
Hereditary cancer-predisposing syndrome. Also called: Tumor predisposition; Neoplastic Syndromes, Hereditary; Hereditary Cancer Syndrome; Hereditary neoplastic syndrome. Identifiers: Orphanet 140162, MedGen C0027672, MeSH D009386, MONDO:0015356.
Neuroblastoma, susceptibility to, 3. Also called: ALK-Related Neuroblastic Tumor Susceptibility. Identifiers: Orphanet 635, MedGen C2751681, MONDO:0013083, OMIM 613014.

gnomAD v4.1: 6 of 1,614,150 alleles (0.00037%); highest among the groups gnomAD compares: Non-Finnish European, 0.00051%; no homozygotes.

Submissions (2):

Ambry Genetics
Classification: Uncertain significance for Hereditary cancer-predisposing syndrome. Last evaluated: 2025-05-16. Review status: criteria provided, single submitter. Criteria: Ambry Variant Classification Scheme 2023. Collection method: clinical testing. Allele origin: germline.
Comment: The p.G183E variant (also known as c.548G>A), located in coding exon 1 of the ALK gene, results from a G to A substitution at nucleotide position 548. The glycine at codon 183 is replaced by glutamic acid, an amino acid with similar properties. This amino acid position is conserved. In addition, this alteration is predicted to be deleterious by in silico analysis. Since supporting evidence is limited at this time, the clinical significance of this alteration remains unclear.

Labcorp Genetics (formerly Invitae), Labcorp
Classification: Uncertain significance for Neuroblastoma, susceptibility to, 3. Last evaluated: 2023-01-24. Review status: criteria provided, single submitter. Criteria: Invitae Variant Classification Sherloc (09022015). Collection method: clinical testing. Allele origin: germline.
Comment: Algorithms developed to predict the effect of missense changes on protein structure and function are either unavailable or do not agree on the potential impact of this missense change (SIFT: "Tolerated"; PolyPhen-2: "Probably Damaging"; Align-GVGD: "Class C0"). In summary, the available evidence is currently insufficient to determine the role of this variant in disease. Therefore, it has been classified as a Variant of Uncertain Significance. ClinVar contains an entry for this variant (Variation ID: 404371). This variant has not been reported in the literature in individuals affected with ALK-related conditions. This variant is not present in population databases (gnomAD no frequency). This sequence change replaces glycine, which is neutral and non-polar, with glutamic acid, which is acidic and polar, at codon 183 of the ALK protein (p.Gly183Glu).

NM_004304.5(ALK):c.548G>A (p.Gly183Glu)

Gene: ALK (ALK receptor tyrosine kinase; minus strand). Cytogenetic location: 2p23.1.
Variant type: single nucleotide variant.
Coding change: c.548G>A on transcript NM_004304.5 (MANE Select); coding-DNA position 548, G replaced by A.
Protein change: p.Gly183Glu; replaces glycine 183 with glutamic acid.
Molecular consequence: missense variant.
Genome position (GRCh38, 1-based): chr2:29,920,112, C>T on the plus strand (G>A on the coding strand, the complement: ALK is on the minus strand). VCF-style: chr2-29920112-C-T. GRCh37 (hg19) VCF-style: chr2-30142978-C-T.
Other names: short protein forms G183E.
Identifiers: ClinVar variation 404371 (VCV000404371.9), dbSNP rs1060500223, ClinGen allele CA16610816.